The following is an entry in ClinVar:

NM_002439.5(MSH3):c.845del (p.Thr282fs)

Gene: MSH3 (mutS homolog 3; plus strand). Cytogenetic location: 5q14.1.
Variant type: Deletion.
Coding change: c.845del on transcript NM_002439.5 (MANE Select); coding-DNA position 845, one base deleted (C; older notation c.845delC).
Protein change: p.Thr282fs; shifts the reading frame from threonine 282.
Molecular consequence: frameshift variant.
Genome position (GRCh38, 1-based): chr5:80,672,296, C deleted. VCF-style (leftmost placement, unchanged base first): chr5-80672295-AC-A. GRCh37 (hg19) VCF-style: chr5-79968114-AC-A.
Other names: short protein forms T282fs.
Identifiers: ClinVar variation 2676763 (VCV002676763.4), dbSNP rs2546722391, ClinGen allele CA2695198647.
Genomic context (GRCh38, chr5:80,672,295, plus strand): 5'-ATTTTTTAGATTGCAGCCCGAGAGCTCAATATTTATTGCCATTTAGATCACAACTTTATG[AC>A]AGCAAGTATACCTACTCACAGACTGTTTGTTCATGTACGCCGCCTGGTGGCAAAAGGATA-3'

ClinVar aggregate classification (germline): Pathogenic/Likely pathogenic. Review status: criteria provided, multiple submitters, no conflicts (2 of 4 stars). 2 submissions from 2 submitters: Pathogenic (1); Likely pathogenic (1). Last evaluated 2023-06-15.

Conditions:
Endometrial carcinoma. Also called: Endometrial carcinoma, somatic. Identifiers: MedGen C0476089, MONDO:0002447, OMIM 608089, HP:0012114.

Submissions (2):

Baylor Genetics
Classification: Likely pathogenic for Endometrial carcinoma. Last evaluated: 2023-06-15. Review status: criteria provided, single submitter. Criteria: ACMG Guidelines, 2015. Collection method: clinical testing. Allele origin: unknown.

Labcorp Genetics (formerly Invitae), Labcorp
Classification: Pathogenic. Last evaluated: 2023-02-18. Review status: criteria provided, single submitter. Criteria: Invitae Variant Classification Sherloc (09022015). Collection method: clinical testing. Allele origin: germline.
Comment: For these reasons, this variant has been classified as Pathogenic. This sequence change creates a premature translational stop signal (p.Thr282Lysfs*26) in the MSH3 gene. It is expected to result in an absent or disrupted protein product. Loss-of-function variants in MSH3 are known to be pathogenic (PMID: 27476653). This variant is not present in population databases (gnomAD no frequency). This variant has not been reported in the literature in individuals affected with MSH3-related conditions.

Literature cited by the submitters: PubMed 27476653 (cited by Labcorp Genetics (formerly Invitae), Labcorp).